The following is an entry in ClinVar:

ClinVar aggregate classification (germline): Likely pathogenic (1 of 4 stars; one submission).

Conditions:
Hereditary cancer-predisposing syndrome. Also called: Hereditary Cancer Syndrome; Hereditary neoplastic syndrome; Neoplastic Syndromes, Hereditary; Tumor predisposition. Identifiers: Orphanet 140162, MedGen C0027672, MeSH D009386, MONDO:0015356.

Submission:

Ambry Genetics
Classification: Likely pathogenic for Hereditary cancer-predisposing syndrome. Last evaluated: 2023-07-19. Review status: criteria provided, single submitter. Criteria: Ambry Variant Classification Scheme 2023. Collection method: clinical testing. Allele origin: germline.
Comment: The c.5408delG variant, located in coding exon 21 of the BRCA1 gene, results from a deletion of one nucleotide at nucleotide position 5408, causing a translational frameshift with a predicted alternate stop codon (p.G1803Vfs*31). This alteration occurs at the 3' terminus of theBRCA1 gene, is not expected to trigger nonsense-mediated mRNA decay, and only impacts the last 61 amino acids of the protein. However, premature stop codons are typically deleterious in nature and the impacted region is critical for protein function (Ambry internal data). This variant is considered to be rare based on population cohorts in the Genome Aggregation Database (gnomAD). Based on the majority of available evidence to date, this variant is likely to be pathogenic.

NM_007294.3(BRCA1):c.5408delG

Gene: BRCA1 (BRCA1 DNA repair associated; minus strand). Cytogenetic location: 17q21.31.
Variant type: Deletion.
Coding change: c.5408delG on transcript NM_007294.3; coding-DNA position 5408, one base deleted (G).
Genome position (GRCh38, 1-based): chr17:43,047,702, C deleted on the plus strand (G on the coding strand, the reverse complement: BRCA1 is on the minus strand); the first of 3 consecutive C bases (chr17:43,047,702-43,047,704); deleting any one gives the same sequence. VCF-style (leftmost placement, unchanged base first): chr17-43047701-AC-A. GRCh37 (hg19) VCF-style: chr17-41199718-AC-A.
Identifiers: ClinVar variation 2585830 (VCV002585830.2), dbSNP rs2546718821, ClinGen allele CA2582342183.